The following is an entry in ClinVar:

ClinVar aggregate classification (germline): Uncertain significance (1 of 4 stars; one submission).

Conditions:
Cardiovascular phenotype. Identifiers: MedGen CN230736.

Allele frequency attached by ClinVar (database versions not stated): TOPMed below 0.00001.

Submission:

Ambry Genetics
Classification: Uncertain significance for Cardiovascular phenotype. Last evaluated: 2022-03-11. Review status: criteria provided, single submitter. Criteria: Ambry Variant Classification Scheme 2023. Collection method: clinical testing. Allele origin: germline.
Comment: The p.G621D variant (also known as c.1862G>A), located in coding exon 16 of the KCNQ1 gene, results from a G to A substitution at nucleotide position 1862. The glycine at codon 621 is replaced by aspartic acid, an amino acid with similar properties. This amino acid position is poorly conserved in available vertebrate species. In addition, the in silico prediction for this alteration is inconclusive. Since supporting evidence is limited at this time, the clinical significance of this alteration remains unclear.

NM_000218.3(KCNQ1):c.1862G>A (p.Gly621Asp)

Genes: KCNQ1 (potassium voltage-gated channel subfamily Q member 1; plus strand), KCNQ1-AS1 (KCNQ1 antisense RNA 1; minus strand). Cytogenetic location: 11p15.4.
Variant type: single nucleotide variant.
Coding change: c.1862G>A on transcript NM_000218.3 (MANE Select); coding-DNA position 1862, G replaced by A.
Protein change: p.Gly621Asp; replaces glycine 621 with aspartic acid.
Molecular consequence: missense variant.
Genome position (GRCh38, 1-based): chr11:2,847,834, G>A. VCF-style: chr11-2847834-G-A. GRCh37 (hg19) VCF-style: chr11-2869064-G-A.
Other names: c.1766G>A, p.Gly589Asp (NM_001406836.1); c.1592G>A, p.Gly531Asp (NM_001406837.1); c.1322G>A, p.Gly441Asp (NM_001406838.1); c.374G>A, p.Gly125Asp (NM_001406839.1); c.1481G>A, p.Gly494Asp (NM_181798.2); short protein forms G494D, G621D, G441D, G125D, G531D, G589D.
Identifiers: ClinVar variation 1781526 (VCV001781526.2), dbSNP rs1590130205, ClinGen allele CA379140315.
Genomic context (GRCh38, chr11:2,847,834, plus strand): 5'-AGCTGGACCAGAGGCTGGCACTCATCACCGACATGCTTCACCAGCTGCTCTCCTTGCACG[G>A]TGGCAGCACCCCCGGCAGCGGCGGCCCCCCCAGAGAGGGCGGGGCCCACATCACCCAGCC-3'
Protein context (NP_000209.2, residues 611-631): DMLHQLLSLH[Gly621Asp]GSTPGSGGPP